The following is an entry in ClinVar:

NM_006904.7(PRKDC):c.3802A>G (p.Asn1268Asp)

Gene: PRKDC (protein kinase, DNA-activated, catalytic subunit; minus strand). Cytogenetic location: 8q11.21.
Variant type: single nucleotide variant.
Coding change: c.3802A>G on transcript NM_006904.7 (MANE Select); coding-DNA position 3802, A replaced by G.
Protein change: p.Asn1268Asp; replaces asparagine 1268 with aspartic acid.
Molecular consequence: missense variant.
Genome position (GRCh38, 1-based): chr8:47,893,184, T>C on the plus strand (A>G on the coding strand, the complement: PRKDC is on the minus strand). VCF-style: chr8-47893184-T-C. GRCh37 (hg19) VCF-style: chr8-48805745-T-C.
Other names: c.3802A>G, p.Asn1268Asp (NM_001081640.2); short protein forms N1268D.
Identifiers: ClinVar variation 1735077 (VCV001735077.2), dbSNP rs1447934692, ClinGen allele CA371150273.

ClinVar aggregate classification (germline): Uncertain significance (1 of 4 stars; one submission).

Allele frequency attached by ClinVar (database versions not stated): gnomAD exomes below 0.00001.
gnomAD v4.1: 1 of 1,613,380 alleles (0.000062%); highest among the groups gnomAD compares: Admixed American, 0.0017%; no homozygotes.

Submission:

Ambry Genetics
Classification: Uncertain significance. Last evaluated: 2021-10-14. Review status: criteria provided, single submitter. Criteria: Ambry Variant Classification Scheme 2023. Collection method: clinical testing. Allele origin: germline.
Comment: The p.N1268D variant (also known as c.3802A>G), located in coding exon 31 of the PRKDC gene, results from an A to G substitution at nucleotide position 3802. The asparagine at codon 1268 is replaced by aspartic acid, an amino acid with highly similar properties. This amino acid position is conserved. In addition, the in silico prediction for this alteration is inconclusive. Since supporting evidence is limited at this time, the clinical significance of this alteration remains unclear.